The following is an entry in ClinVar:

ClinVar aggregate classification (germline): Uncertain significance. Review status: criteria provided, multiple submitters, no conflicts (2 of 4 stars). 3 submissions from 3 submitters: Uncertain significance (2). 1 of the submissions does not count toward it. Last evaluated 2025-07-07.

Conditions:
Inborn genetic diseases. Identifiers: MedGen C0950123, MeSH D030342.
Fanconi anemia (FA). Also called: Fanconi's anemia. Identifiers: Orphanet 84, MedGen C0015625, MeSH D005199, MONDO:0019391.

Allele frequency attached by ClinVar (database versions not stated): gnomAD 0.00001; gnomAD exomes 0.00001; TOPMed 0.00002.
gnomAD v4.1: 4 of 1,613,944 alleles (0.00025%); highest among the groups gnomAD compares: Non-Finnish European, 0.00034%; no homozygotes.

Submissions (3):

Labcorp Genetics (formerly Invitae), Labcorp
Classification: Uncertain significance for Fanconi anemia. Last evaluated: 2025-07-07. Review status: criteria provided, single submitter. Criteria: Invitae Variant Classification Sherloc (09022015). Collection method: clinical testing. Allele origin: germline.
Comment: This sequence change replaces aspartic acid, which is acidic and polar, with valine, which is neutral and non-polar, at codon 819 of the FANCA protein (p.Asp819Val). This variant is present in population databases (no rsID available, gnomAD 0.003%). This variant has not been reported in the literature in individuals affected with FANCA-related conditions. ClinVar contains an entry for this variant (Variation ID: 951809). Invitae Evidence Modeling of protein sequence and biophysical properties (such as structural, functional, and spatial information, amino acid conservation, physicochemical variation, residue mobility, and thermodynamic stability) indicates that this missense variant is not expected to disrupt FANCA protein function with a negative predictive value of 95%. In summary, the available evidence is currently insufficient to determine the role of this variant in disease. Therefore, it has been classified as a Variant of Uncertain Significance.

Ambry Genetics
Classification: Uncertain significance for Inborn genetic diseases. Last evaluated: 2025-05-23. Review status: criteria provided, single submitter. Criteria: Ambry Variant Classification Scheme 2023. Collection method: clinical testing. Allele origin: germline.
Comment: The p.D819V variant (also known as c.2456A>T), located in coding exon 26 of the FANCA gene, results from an A to T substitution at nucleotide position 2456. The aspartic acid at codon 819 is replaced by valine, an amino acid with highly dissimilar properties. This amino acid position is conserved. In addition, this alteration is predicted to be tolerated by in silico analysis. Based on the available evidence, the clinical significance of this variant remains unclear.

Natera, Inc.
Classification: Uncertain significance for Fanconi anemia. Last evaluated: 2021-05-14. Review status: no assertion criteria provided. Collection method: clinical testing. Allele origin: germline. Not counted in ClinVar's aggregate classification.

NM_000135.4(FANCA):c.2456A>T (p.Asp819Val)

Gene: FANCA (FA complementation group A; minus strand). Cytogenetic location: 16q24.3.
Variant type: single nucleotide variant.
Coding change: c.2456A>T on transcript NM_000135.4 (MANE Select); coding-DNA position 2456, A replaced by T.
Protein change: p.Asp819Val; replaces aspartic acid 819 with valine.
Molecular consequence: missense variant.
Genome position (GRCh38, 1-based): chr16:89,769,885, T>A on the plus strand (A>T on the coding strand, the complement: FANCA is on the minus strand). VCF-style: chr16-89769885-T-A. GRCh37 (hg19) VCF-style: chr16-89836293-T-A.
Other names: c.2456A>T, p.Asp819Val (NM_001286167.3); short protein forms D819V.
Identifiers: ClinVar variation 951809 (VCV000951809.12), dbSNP rs976586387, ClinGen allele CA286564358.
Genomic context (GRCh38, chr16:89,769,885, plus strand): 5'-AGAAGAGCTCACTTCAGGCAGAAGAACAAGGAATCCCTCGTCCTACAGGTCAGGAGGCTG[T>A]CAAAGAGCGCAGGGACAGGAAGGCCAGCACCAGGTGCAGGAGGACCCACATCCACCTCTG-3'
Protein context (NP_000126.2, residues 809-829): GAGLPVPALF[Asp819Val]SLLTCRTRDS